The following is an entry in ClinVar:

NM_004211.5(SLC6A5):c.2039G>A (p.Cys680Tyr)

Gene: SLC6A5 (solute carrier family 6 member 5; plus strand). Cytogenetic location: 11p15.1.
Variant type: single nucleotide variant.
Coding change: c.2039G>A on transcript NM_004211.5 (MANE Select); coding-DNA position 2039, G replaced by A.
Protein change: p.Cys680Tyr; replaces cysteine 680 with tyrosine.
Molecular consequence: missense variant.
Genome position (GRCh38, 1-based): chr11:20,646,903, G>A. VCF-style: chr11-20646903-G-A. GRCh37 (hg19) VCF-style: chr11-20668449-G-A.
Other names: c.1337G>A, p.Cys446Tyr (NM_001318369.2); short protein forms C680Y, C446Y.
Identifiers: ClinVar variation 2584909 (VCV002584909.1), dbSNP rs2494184640, ClinGen allele CA379919581.

ClinVar aggregate classification (germline): Uncertain significance (1 of 4 stars; one submission).

Conditions:
Hyperekplexia 3 (HKPX3). Also called: HYPEREKPLEXIA 3, AUTOSOMAL RECESSIVE; HYPEREKPLEXIA 3, AUTOSOMAL DOMINANT. Identifiers: Orphanet 3197, MedGen C3553288, MONDO:0013827, OMIM 614618.

Submission:

Neuberg Centre For Genomic Medicine, NCGM
Classification: Uncertain significance for Hyperekplexia 3. Review status: criteria provided, single submitter. Criteria: ACMG Guidelines, 2015. Collection method: clinical testing. Allele origin: germline. Inheritance: Autosomal recessive inheritance. Affected: yes.
Comment: The missense variant c.2039G>A (p.Cys680Tyr) in SLC6A5 gene has not been reported previously as a pathogenic variant nor as a benign variant, to our knowledge. The p.Cys680Tyr variant is novel (not in any individuals) in gnomAD exomes and 1000 Genomes. This variant has not been reported to the ClinVar database. The amino acid Cys at position 680 is changed to a Tyr changing protein sequence and it might alter its composition and physico-chemical properties. The amino acid change p.Cys680Tyr in SLC6A5 is predicted as conserved by GERP++ and PhyloP across 100 vertebrates. For these reasons, this variant has been classified as Uncertain Significance (VUS).